The following is an entry in ClinVar:

ClinVar aggregate classification (germline): Uncertain significance (1 of 4 stars; one submission).

Conditions:
Lethal congenital glycogen storage disease of heart. Also called: PHOSPHORYLASE KINASE DEFICIENCY OF HEART; GLYCOGEN STORAGE DISEASE OF HEART. Identifiers: Orphanet 439854, MedGen C1849813, MONDO:0009867, OMIM 261740.

Submission:

Labcorp Genetics (formerly Invitae), Labcorp
Classification: Uncertain significance for Lethal congenital glycogen storage disease of heart. Last evaluated: 2023-11-17. Review status: criteria provided, single submitter. Criteria: Invitae Variant Classification Sherloc (09022015). Collection method: clinical testing. Allele origin: germline.
Comment: This sequence change replaces aspartic acid, which is acidic and polar, with alanine, which is neutral and non-polar, at codon 272 of the PRKAG2 protein (p.Asp272Ala). This variant is not present in population databases (gnomAD no frequency). This variant has not been reported in the literature in individuals affected with PRKAG2-related conditions. Advanced modeling of protein sequence and biophysical properties (such as structural, functional, and spatial information, amino acid conservation, physicochemical variation, residue mobility, and thermodynamic stability) performed at Invitae indicates that this missense variant is expected to disrupt PRKAG2 protein function with a positive predictive value of 95%. In summary, the available evidence is currently insufficient to determine the role of this variant in disease. Therefore, it has been classified as a Variant of Uncertain Significance.

NM_016203.4(PRKAG2):c.815A>C (p.Asp272Ala)

Gene: PRKAG2 (protein kinase AMP-activated non-catalytic subunit gamma 2; minus strand). Cytogenetic location: 7q36.1.
Variant type: single nucleotide variant.
Coding change: c.815A>C on transcript NM_016203.4 (MANE Select); coding-DNA position 815, A replaced by C.
Protein change: p.Asp272Ala; replaces aspartic acid 272 with alanine.
Molecular consequence: missense variant.
Genome position (GRCh38, 1-based): chr7:151,595,394, T>G on the plus strand (A>C on the coding strand, the complement: PRKAG2 is on the minus strand). VCF-style: chr7-151595394-T-G. GRCh37 (hg19) VCF-style: chr7-151292480-T-G.
Other names: c.683A>C, p.Asp228Ala (NM_001040633.2, NM_001407024.1); c.440A>C, p.Asp147Ala (NM_001304527.2, NM_001407029.1); c.92A>C, p.Asp31Ala (NM_001304531.2, NM_001407034.1, NM_001407035.1 and 1 more transcripts); c.443A>C, p.Asp148Ala (NM_001363698.2, NM_001407028.1); c.815A>C, p.Asp272Ala (NM_001407021.1); c.812A>C, p.Asp271Ala (NM_001407022.1, NM_001407023.1); c.680A>C, p.Asp227Ala (NM_001407026.1, NM_001407027.1); c.527A>C, p.Asp176Ala (NM_001407030.1); and 6 more; short protein forms D271A, D51A, D166A, D176A, D227A, D147A, D164A, D31A.
Identifiers: ClinVar variation 2696759 (VCV002696759.3), dbSNP rs2536586902, ClinGen allele CA370069338.